The following is an entry in ClinVar:

NM_005876.5(SPEG):c.1916G>A (p.Arg639His)

Gene: SPEG (striated muscle enriched protein kinase; plus strand). Cytogenetic location: 2q35.
Variant type: single nucleotide variant.
Coding change: c.1916G>A on transcript NM_005876.5 (MANE Select); coding-DNA position 1916, G replaced by A.
Protein change: p.Arg639His; replaces arginine 639 with histidine.
Molecular consequence: missense variant.
Genome position (GRCh38, 1-based): chr2:219,449,074, G>A. VCF-style: chr2-219449074-G-A. GRCh37 (hg19) VCF-style: chr2-220313796-G-A.
Other names: c.1916G>A (NM_005876.4); short protein forms R639H.
Identifiers: ClinVar variation 1992295 (VCV001992295.3), dbSNP rs373031408, ClinGen allele CA2125732.
Genomic context (GRCh38, chr2:219,449,074, plus strand): 5'-CAGAGGCCAGGACGAAAGCACCCCCCGGTCGGAAGCGGGAGCCCCCGGCGCAGGCCGTGC[G>A]CTTCCTGCCCTGGGCCACGCCGGGCCTGGAGGGCGCTGCTGTACCCCAGACCTTGGAGAA-3'
Protein context (NP_005867.3, residues 629-649): RKREPPAQAV[Arg639His]FLPWATPGLE

ClinVar aggregate classification (germline): Uncertain significance. Review status: criteria provided, multiple submitters, no conflicts (2 of 4 stars). 3 submissions from 3 submitters: Uncertain significance (3). Last evaluated 2024-02-05.

Conditions:
Inborn genetic diseases. Identifiers: MedGen C0950123, MeSH D030342.

Allele frequency attached by ClinVar (database versions not stated): 1000 Genomes Project 30x 0.00016; ExAC 0.00033.
gnomAD v4.1: 28 of 1,517,330 alleles (0.0018%); highest among the groups gnomAD compares: East Asian, 0.027%; 1 homozygote.

Submissions (3):

Ambry Genetics
Classification: Uncertain significance for Inborn genetic diseases. Last evaluated: 2024-02-05. Review status: criteria provided, single submitter. Criteria: Ambry Variant Classification Scheme 2023. Collection method: clinical testing. Allele origin: germline.

Labcorp Genetics (formerly Invitae), Labcorp
Classification: Uncertain significance. Last evaluated: 2022-04-24. Review status: criteria provided, single submitter. Criteria: Invitae Variant Classification Sherloc (09022015). Collection method: clinical testing. Allele origin: germline.
Comment: This sequence change replaces arginine, which is basic and polar, with histidine, which is basic and polar, at codon 639 of the SPEG protein (p.Arg639His). The frequency data for this variant in the population databases is considered unreliable, as metrics indicate poor data quality at this position in the gnomAD database. This variant has not been reported in the literature in individuals affected with SPEG-related conditions. Algorithms developed to predict the effect of missense changes on protein structure and function are either unavailable or do not agree on the potential impact of this missense change (SIFT: "Tolerated"; PolyPhen-2: "Possibly Damaging"; Align-GVGD: "Class C0"). In summary, the available evidence is currently insufficient to determine the role of this variant in disease. Therefore, it has been classified as a Variant of Uncertain Significance.

Blueprint Genetics
Classification: Uncertain significance. Last evaluated: 2021-12-01. Review status: criteria provided, single submitter. Criteria: ACMG Guidelines, 2015. Collection method: clinical testing. Allele origin: germline.